The following is an entry in ClinVar:

NM_001042492.3(NF1):c.7189+3A>G

Gene: NF1 (neurofibromin 1; plus strand). Cytogenetic location: 17q11.2.
Variant type: single nucleotide variant.
Coding change: c.7189+3A>G on transcript NM_001042492.3 (MANE Select); 3 bases into the intron after coding-DNA position 7189, A replaced by G.
Molecular consequence: intron variant.
Genome position (GRCh38, 1-based): chr17:31,343,138, A>G. VCF-style: chr17-31343138-A-G. GRCh37 (hg19) VCF-style: chr17-29670156-A-G.
Other names: c.7126+3A>G (NM_000267.4).
Identifiers: ClinVar variation 3630674 (VCV003630674.2).

ClinVar aggregate classification (germline): Uncertain significance (1 of 4 stars; one submission).

Conditions:
Neurofibromatosis, type 1 (NF1). Also called: VON RECKLINGHAUSEN DISEASE; Peripheral type neurofibromatosis; NEUROFIBROMATOSIS, TYPE I, SOMATIC; Neurofibromatosis, type I. Identifiers: Orphanet 636, MedGen C0027831, MONDO:0018975, OMIM 162200. Disease mechanism: loss of function.

Submission:

Labcorp Genetics (formerly Invitae), Labcorp
Classification: Uncertain significance for Neurofibromatosis, type 1. Last evaluated: 2024-03-14. Review status: criteria provided, single submitter. Criteria: Invitae Variant Classification Sherloc (09022015). Collection method: clinical testing. Allele origin: germline.
Comment: This sequence change falls in intron 47 of the NF1 gene. It does not directly change the encoded amino acid sequence of the NF1 protein. It affects a nucleotide within the consensus splice site. This variant is not present in population databases (gnomAD no frequency). This variant has not been reported in the literature in individuals affected with NF1-related conditions. Variants that disrupt the consensus splice site are a relatively common cause of aberrant splicing (PMID: 17576681, 9536098). Algorithms developed to predict the effect of sequence changes on RNA splicing suggest that this variant is not likely to affect RNA splicing. This variant disrupts the c.7126+3A nucleotide in the NF1 gene. Other variant(s) that disrupt this nucleotide have been determined to be pathogenic (PMID: 12566521). This suggests that this nucleotide is clinically significant, and that variants that disrupt this position are likely to be disease-causing. In summary, the available evidence is currently insufficient to determine the role of this variant in disease. Therefore, it has been classified as a Variant of Uncertain Significance.

Literature cited by the submitters: PubMed 17576681; PubMed 9536098; PubMed 12566521.